The following is an entry in ClinVar:

ClinVar aggregate classification (germline): Uncertain significance (1 of 4 stars; one submission).

Conditions:
Inborn genetic diseases. Identifiers: MedGen C0950123, MeSH D030342.

Allele frequency attached by ClinVar (database versions not stated): ExAC 0.00001; gnomAD exomes 0.00002; TOPMed 0.00002.
gnomAD v4.1: 10 of 1,613,814 alleles (0.00062%); highest among the groups gnomAD compares: South Asian, 0.0055%; no homozygotes.

Submission:

Ambry Genetics
Classification: Uncertain significance for Inborn genetic diseases. Last evaluated: 2024-12-20. Review status: criteria provided, single submitter. Criteria: Ambry Variant Classification Scheme 2023. Collection method: clinical testing. Allele origin: germline.
Comment: The p.R42G variant (also known as c.124A>G), located in coding exon 2 of the ETV6 gene, results from an A to G substitution at nucleotide position 124. The arginine at codon 42 is replaced by glycine, an amino acid with dissimilar properties. This amino acid position is conserved. In addition, the in silico prediction for this alteration is inconclusive. Based on the available evidence, the clinical significance of this variant remains unclear.

NM_001987.5(ETV6):c.124A>G (p.Arg42Gly)

Gene: ETV6 (ETS variant transcription factor 6; plus strand). Cytogenetic location: 12p13.2.
Variant type: single nucleotide variant.
Coding change: c.124A>G on transcript NM_001987.5 (MANE Select); coding-DNA position 124, A replaced by G.
Protein change: p.Arg42Gly; replaces arginine 42 with glycine.
Molecular consequence: missense variant. On other transcripts: intron variant (1).
Genome position (GRCh38, 1-based): chr12:11,752,540, A>G. VCF-style: chr12-11752540-A-G. GRCh37 (hg19) VCF-style: chr12-11905474-A-G.
Other names: c.121A>G, p.Arg41Gly (NM_001413913.1); c.97A>G, p.Arg33Gly (NM_001413914.1); c.124A>G, p.Arg42Gly (NM_001413916.1, NM_001413917.1, NM_001413918.1); c.-101-86600A>G (NM_001413915.1); short protein forms R42G, R41G, R33G.
Identifiers: ClinVar variation 3090777 (VCV003090777.2), dbSNP rs199863871, ClinGen allele CA6454121.